The following is an entry in ClinVar:

NM_001040113.2(MYH11):c.5808-6_5809del

Genes: MYH11 (myosin heavy chain 11; minus strand), NDE1 (nudE neurodevelopment protein 1; plus strand). Cytogenetic location: 16p13.11.
Variant type: Deletion.
Coding change: c.5808-6_5809del on transcript NM_001040113.2 (MANE Plus Clinical); 6 bases into the intron before coding-DNA position 5808 through coding-DNA position 5809, 8 bases deleted (TTTCAGAG; older notation c.5808-6_5809delTTTCAGAG).
Molecular consequence: splice acceptor variant. On other transcripts: intron variant (4).
Genome position (GRCh38, 1-based): chr16:15,708,840-15,708,847, CTCTGAAA deleted on the plus strand (TTTCAGAG on the coding strand, the reverse complement: MYH11 is on the minus strand); deleting any 8 consecutive bases within chr16:15,708,840-15,708,848 gives the same sequence; the c. name uses the placement nearest the transcript's 3' end. VCF-style (leftmost placement, unchanged base first): chr16-15708839-CCTCTGAAA-C. GRCh37 (hg19) VCF-style: chr16-15802696-CCTCTGAAA-C.
Other names: c.947+11981_947+11988del (NM_001143979.2, NM_017668.3); c.5787-4724_5787-4717del (NM_002474.3); c.5787-6_5788del (NM_022844.3); c.5808-4724_5808-4717del (NM_001040114.2).
Identifiers: ClinVar variation 3072195 (VCV003072195.1), dbSNP rs2510018266, ClinGen allele CA2825002391.

ClinVar aggregate classification (germline): Uncertain significance (1 of 4 stars; one submission).

Conditions:
Familial thoracic aortic aneurysm and aortic dissection (TAAD). Also called: Thoracic aortic aneurysms and dissections. Identifiers: Orphanet 91387, MedGen C4707243, MONDO:0019625.

Submission:

All of Us Research Program, National Institutes of Health
Classification: Uncertain significance for Familial thoracic aortic aneurysm and aortic dissection. Last evaluated: 2023-06-26. Review status: criteria provided, single submitter. Criteria: ACMG Guidelines, 2015. Collection method: clinical testing. Allele origin: germline. Inheritance: Autosomal dominant inheritance. Observed: 1 variant allele, 1 heterozygote.
Comment: This variant deletes the last four nucleotides in the intron 41 splice acceptor site and the first four nucleotides of exon 42 (c.5808-6_5809del) of the MYH11 gene. Splice site prediction tools suggest that this variant may have a significant impact on RNA splicing. To our knowledge, this variant has not been reported in individuals affected with MYH11-related disorders in the literature. This variant has not been identified in the general population by the Genome Aggregation Database (gnomAD). The available evidence is insufficient to determine the role of this variant in disease conclusively. Therefore, this variant is classified as a Variant of Uncertain Significance.

This study involves interpretation of variants in research participants for the purpose of population health screening. Participant phenotype was not available at the time of variant classification. Additional details can be found in publication PMID: 35346344, PMCID: PMC8962531